The following is an entry in ClinVar:

NM_000057.4(BLM):c.2896C>T (p.Leu966Phe)

Gene: BLM (BLM RecQ like helicase; plus strand). Cytogenetic location: 15q26.1.
Variant type: single nucleotide variant.
Coding change: c.2896C>T on transcript NM_000057.4 (MANE Select); coding-DNA position 2896, C replaced by T.
Protein change: p.Leu966Phe; replaces leucine 966 with phenylalanine.
Molecular consequence: missense variant.
Genome position (GRCh38, 1-based): chr15:90,790,721, C>T. VCF-style: chr15-90790721-C-T. GRCh37 (hg19) VCF-style: chr15-91333951-C-T.
Other names: c.2896C>T, p.Leu966Phe (NM_001287246.2, NM_001287247.2); c.1771C>T, p.Leu591Phe (NM_001287248.2); short protein forms L591F, L966F.
Identifiers: ClinVar variation 2447177 (VCV002447177.4), dbSNP rs554564999, ClinGen allele CA7738892.

ClinVar aggregate classification (germline): Uncertain significance. Review status: criteria provided, multiple submitters, no conflicts (2 of 4 stars). 2 submissions from 2 submitters: Uncertain significance (2). Last evaluated 2024-04-08.

Conditions:
Hereditary cancer-predisposing syndrome. Also called: Neoplastic Syndromes, Hereditary; Hereditary Cancer Syndrome; Tumor predisposition; Hereditary neoplastic syndrome. Identifiers: Orphanet 140162, MedGen C0027672, MeSH D009386, MONDO:0015356.
Bloom syndrome (BLM). Also called: Bloom-Torre-Machacek syndrome. Identifiers: Orphanet 125, MedGen C0005859, MONDO:0008876, OMIM 210900.

Allele frequency attached by ClinVar (database versions not stated): ExAC 0.00001; gnomAD 0.00001; 1000 Genomes Project 30x 0.00016; 1000 Genomes Project 0.00020.
gnomAD v4.1: 3 of 1,614,160 alleles (0.00019%); highest among the groups gnomAD compares: South Asian, 0.0033%; no homozygotes.

Submissions (2):

Labcorp Genetics (formerly Invitae), Labcorp
Classification: Uncertain significance for Bloom syndrome. Last evaluated: 2024-04-08. Review status: criteria provided, single submitter. Criteria: Invitae Variant Classification Sherloc (09022015). Collection method: clinical testing. Allele origin: germline.
Comment: This sequence change replaces leucine, which is neutral and non-polar, with phenylalanine, which is neutral and non-polar, at codon 966 of the BLM protein (p.Leu966Phe). This variant is present in population databases (rs554564999, gnomAD 0.003%). This variant has not been reported in the literature in individuals affected with BLM-related conditions. ClinVar contains an entry for this variant (Variation ID: 2447177). Advanced modeling of protein sequence and biophysical properties (such as structural, functional, and spatial information, amino acid conservation, physicochemical variation, residue mobility, and thermodynamic stability) performed at Invitae indicates that this missense variant is expected to disrupt BLM protein function with a positive predictive value of 80%. In summary, the available evidence is currently insufficient to determine the role of this variant in disease. Therefore, it has been classified as a Variant of Uncertain Significance.

Ambry Genetics
Classification: Uncertain significance for Hereditary cancer-predisposing syndrome. Last evaluated: 2022-12-05. Review status: criteria provided, single submitter. Criteria: Ambry Variant Classification Scheme 2023. Collection method: clinical testing. Allele origin: germline.
Comment: The p.L966F variant (also known as c.2896C>T), located in coding exon 14 of the BLM gene, results from a C to T substitution at nucleotide position 2896. The leucine at codon 966 is replaced by phenylalanine, an amino acid with highly similar properties. This amino acid position is conserved. In addition, the in silico prediction for this alteration is inconclusive. Since supporting evidence is limited at this time, the clinical significance of this alteration remains unclear.